The following is an entry in ClinVar:

ClinVar aggregate classification (germline): Uncertain significance (1 of 4 stars; one submission).

Conditions:
Inborn genetic diseases. Identifiers: MedGen C0950123, MeSH D030342.

Allele frequency attached by ClinVar (database versions not stated): gnomAD exomes below 0.00001.

Submission:

Ambry Genetics
Classification: Uncertain significance for Inborn genetic diseases. Last evaluated: 2021-02-09. Review status: criteria provided, single submitter. Criteria: Ambry Variant Classification Scheme 2023. Collection method: clinical testing. Allele origin: germline.
Comment: The c.5617A>G (p.K1873E) alteration is located in exon 29 (coding exon 29) of the POLR2A gene. This alteration results from a A to G substitution at nucleotide position 5617, causing the lysine (K) at amino acid position 1873 to be replaced by a glutamic acid (E). The p.K1873E alteration is predicted to be tolerated by in silico analysis. Based on insufficient or conflicting evidence, the clinical significance of this alteration remains unclear.

NM_000937.5(POLR2A):c.5617A>G (p.Lys1873Glu)

Gene: POLR2A (RNA polymerase II subunit A; plus strand). Cytogenetic location: 17p13.1.
Variant type: single nucleotide variant.
Coding change: c.5617A>G on transcript NM_000937.5 (MANE Select); coding-DNA position 5617, A replaced by G.
Protein change: p.Lys1873Glu; replaces lysine 1873 with glutamic acid.
Molecular consequence: missense variant.
Genome position (GRCh38, 1-based): chr17:7,513,883, A>G. VCF-style: chr17-7513883-A-G. GRCh37 (hg19) VCF-style: chr17-7417200-A-G.
Other names: short protein forms K1873E.
Identifiers: ClinVar variation 2229194 (VCV002229194.2), dbSNP rs2508205616, ClinGen allele CA397838678.